The following is an entry in ClinVar:

NM_001256470.2(PLEKHA5):c.30C>T (p.Ile10=)

Gene: PLEKHA5 (pleckstrin homology domain containing A5; plus strand). Cytogenetic location: 12p12.3.
Variant type: single nucleotide variant.
Coding change: c.30C>T on transcript NM_001256470.2 (MANE Select); coding-DNA position 30, C replaced by T.
Protein change: p.Ile10=; no amino-acid change (isoleucine 10 retained).
Molecular consequence: synonymous variant. On other transcripts: non-coding transcript variant (6).
Genome position (GRCh38, 1-based): chr12:19,129,829, C>T. VCF-style: chr12-19129829-C-T. GRCh37 (hg19) VCF-style: chr12-19282763-C-T.
Other names: c.30C>T, p.Ile10= (NM_001143821.3, NM_001190860.3, NM_001385923.1 and 19 more transcripts); c.30C>T (NM_001256470.1).
Identifiers: ClinVar variation 2642769 (VCV002642769.25), dbSNP rs139525088, ClinGen allele CA6471896.

ClinVar aggregate classification (germline): Likely benign. Review status: criteria provided, single submitter (1 of 4 stars). 2 submissions from 2 submitters: Likely benign (1). 1 of the submissions does not count toward it. Last evaluated 2022-07-01.

Conditions:
PLEKHA5-related disorder. Also called: PLEKHA5-related condition.

Allele frequency attached by ClinVar (database versions not stated): 1000 Genomes Project 0.00140; 1000 Genomes Project 30x 0.00141; ESP Exome Variant Server 0.00192; TOPMed 0.00192; ExAC 0.00243; gnomAD 0.00263.
gnomAD v4.1: 3,879 of 1,604,858 alleles (0.24%); highest among the groups gnomAD compares: Non-Finnish European, 0.27%; 10 homozygotes.

Submissions (2):

CeGaT Center for Human Genetics Tuebingen
Classification: Likely benign. Last evaluated: 2022-07-01. Review status: criteria provided, single submitter. Criteria: CeGaT Center For Human Genetics Tuebingen Variant Classification Criteria Version 2. Collection method: clinical testing. Allele origin: germline. Affected: yes. Observed: 1 variant allele.
Comment: PLEKHA5: BP4, BP7

PreventionGenetics, part of Exact Sciences
Classification: Likely benign for PLEKHA5-related condition. Last evaluated: 2019-03-12. Review status: no assertion criteria provided. Collection method: clinical testing. Allele origin: germline. Not counted in ClinVar's aggregate classification.
Comment: This variant is classified as likely benign based on ACMG/AMP sequence variant interpretation guidelines (Richards et al. 2015 PMID: 25741868, with internal and published modifications).